The following is an entry in ClinVar:

NM_032638.5(GATA2):c.1280C>T (p.Pro427Leu)

Gene: GATA2 (GATA binding protein 2; minus strand). Cytogenetic location: 3q21.3.
Variant type: single nucleotide variant.
Coding change: c.1280C>T on transcript NM_032638.5 (MANE Select); coding-DNA position 1280, C replaced by T.
Protein change: p.Pro427Leu; replaces proline 427 with leucine.
Molecular consequence: missense variant.
Genome position (GRCh38, 1-based): chr3:128,481,182, G>A on the plus strand (C>T on the coding strand, the complement: GATA2 is on the minus strand). VCF-style: chr3-128481182-G-A. GRCh37 (hg19) VCF-style: chr3-128200025-G-A.
Other names: c.1280C>T, p.Pro427Leu (NM_001145661.2); c.1238C>T, p.Pro413Leu (NM_001145662.1); short protein forms P413L, P427L.
Identifiers: ClinVar variation 1715685 (VCV001715685.6), dbSNP rs2068623217, ClinGen allele CA354412873.

ClinVar aggregate classification (germline): Uncertain significance. Review status: criteria provided, multiple submitters, no conflicts (2 of 4 stars). 2 submissions from 2 submitters: Uncertain significance (2). Last evaluated 2024-11-24.

Conditions:
Inborn genetic diseases. Identifiers: MedGen C0950123, MeSH D030342.
Deafness-lymphedema-leukemia syndrome. Also called: Emberger syndrome; Lymphedema, primary, with myelodysplasia. Identifiers: Orphanet 3226, MedGen C3279664, MONDO:0013540, OMIM 614038.
Monocytopenia with susceptibility to infections. Also called: MONOCYTOPENIA AND MYCOBACTERIAL INFECTION SYNDROME; MONOCYTOPENIA WITH SUSCEPTIBILITY TO MYCOBACTERIAL, FUNGAL, AND PAPILLOMAVIRUS INFECTIONS AND MYELODYSPLASIA; COMBINED IMMUNODEFICIENCY WITH SUSCEPTIBILITY TO MYCOBACTERIAL, VIRAL, AND FUNGAL INFECTIONS; Dendritic cell, monocyte, B lymphocyte, and natural killer lymphocyte deficiency; IMMUNODEFICIENCY 21; GATA2 DEFICIENCY. Identifiers: Orphanet 228423, MedGen C3280030, MONDO:0013607, OMIM 614172.

Submissions (2):

Ambry Genetics
Classification: Uncertain significance for Inborn genetic diseases. Last evaluated: 2024-11-24. Review status: criteria provided, single submitter. Criteria: Ambry Variant Classification Scheme 2023. Collection method: clinical testing. Allele origin: germline.
Comment: The p.P427L variant (also known as c.1280C>T), located in coding exon 5 of the GATA2 gene, results from a C to T substitution at nucleotide position 1280. The proline at codon 427 is replaced by leucine, an amino acid with similar properties. This amino acid position is conserved. In addition, this alteration is predicted to be deleterious by in silico analysis. Based on the available evidence, the clinical significance of this variant remains unclear.

Labcorp Genetics (formerly Invitae), Labcorp
Classification: Uncertain significance for Monocytopenia with susceptibility to infections; Deafness-lymphedema-leukemia syndrome. Last evaluated: 2022-08-09. Review status: criteria provided, single submitter. Criteria: Invitae Variant Classification Sherloc (09022015). Collection method: clinical testing. Allele origin: germline.
Comment: In summary, the available evidence is currently insufficient to determine the role of this variant in disease. Therefore, it has been classified as a Variant of Uncertain Significance. Algorithms developed to predict the effect of missense changes on protein structure and function are either unavailable or do not agree on the potential impact of this missense change (SIFT: "Tolerated"; PolyPhen-2: "Probably Damaging"; Align-GVGD: "Class C0"). This variant has not been reported in the literature in individuals affected with GATA2-related conditions. This variant is not present in population databases (gnomAD no frequency). This sequence change replaces proline, which is neutral and non-polar, with leucine, which is neutral and non-polar, at codon 427 of the GATA2 protein (p.Pro427Leu).